The following is an entry in ClinVar:

ClinVar aggregate classification (germline): Likely benign (0 of 4 stars; one submission).

Conditions:
MUC16-related disorder. Also called: MUC16-related condition.

Allele frequency attached by ClinVar (database versions not stated): gnomAD 0.00001; TOPMed 0.00001; gnomAD exomes 0.00002.

Submission:

PreventionGenetics, part of Exact Sciences
Classification: Likely benign for MUC16-related condition. Last evaluated: 2022-01-04. Review status: no assertion criteria provided. Collection method: clinical testing. Allele origin: germline.
Comment: This variant is classified as likely benign based on ACMG/AMP sequence variant interpretation guidelines (Richards et al. 2015 PMID: 25741868, with internal and published modifications).

NM_001401501.2(MUC16):c.31293A>G (p.Thr10431=)

Gene: MUC16 (mucin 16, cell surface associated; minus strand). Cytogenetic location: 19p13.2.
Variant type: single nucleotide variant.
Coding change: c.31293A>G on transcript NM_001401501.2 (MANE Select); coding-DNA position 31293, A replaced by G.
Protein change: p.Thr10431=; no amino-acid change (threonine 10431 retained).
Molecular consequence: synonymous variant.
Genome position (GRCh38, 1-based): chr19:8,945,597, T>C on the plus strand (A>G on the coding strand, the complement: MUC16 is on the minus strand). VCF-style: chr19-8945597-T-C. GRCh37 (hg19) VCF-style: chr19-9056273-T-C.
Other names: c.31719A>G, p.Thr10573= (NM_001414686.1); c.31173A>G, p.Thr10391= (NM_001414687.1, NM_024690.2).
Identifiers: ClinVar variation 3029621 (VCV003029621.2), dbSNP rs1209523853, ClinGen allele CA505436243.